The following is an entry in ClinVar:

ClinVar aggregate classification (germline): Conflicting classifications of pathogenicity. Review status: criteria provided, conflicting classifications (1 of 4 stars). 5 submissions from 5 submitters: Uncertain significance (1); Benign (2); Likely benign (1). 1 of the submissions does not count toward it. Last evaluated 2026-01-08.

Conditions:
Inborn genetic diseases. Identifiers: MedGen C0950123, MeSH D030342.
DNAH9-related disorder. Also called: DNAH9-related condition.

Allele frequency attached by ClinVar (database versions not stated): 1000 Genomes Project 30x 0.00156; 1000 Genomes Project 0.00160; gnomAD 0.00229; TOPMed 0.00241; ESP Exome Variant Server 0.00277.
gnomAD v4.1: 644 of 1,614,066 alleles (0.04%); highest among the groups gnomAD compares: African/African-American, 0.78%; 2 homozygotes.

Submissions (5):

Labcorp Genetics (formerly Invitae), Labcorp
Classification: Benign. Last evaluated: 2026-01-08. Review status: criteria provided, single submitter. Criteria: Invitae Variant Classification Sherloc (09022015). Collection method: clinical testing. Allele origin: germline.

Ambry Genetics
Classification: Uncertain significance for Inborn genetic diseases. Last evaluated: 2025-01-08. Review status: criteria provided, single submitter. Criteria: Ambry Variant Classification Scheme 2023. Collection method: clinical testing. Allele origin: germline.

Blueprint Genetics
Classification: Likely benign. Last evaluated: 2024-11-13. Review status: criteria provided, single submitter. Criteria: ACMG Guidelines, 2015. Collection method: clinical testing. Allele origin: germline.

Breakthrough Genomics
Classification: Benign. Review status: criteria provided, single submitter. Criteria: ACMG Guidelines, 2015. Collection method: not provided. Allele origin: germline. Inheritance: Autosomal recessive inheritance. Affected: yes.

PreventionGenetics, part of Exact Sciences
Classification: Benign for DNAH9-related condition. Last evaluated: 2019-10-28. Review status: no assertion criteria provided. Collection method: clinical testing. Allele origin: germline. Not counted in ClinVar's aggregate classification.
Comment: This variant is classified as benign based on ACMG/AMP sequence variant interpretation guidelines (Richards et al. 2015 PMID: 25741868, with internal and published modifications).

NM_001372.4(DNAH9):c.10888G>T (p.Ala3630Ser)

Genes: DNAH9 (dynein axonemal heavy chain 9; plus strand), LOC101928350 (uncharacterized LOC101928350; minus strand). Cytogenetic location: 17p12.
Variant type: single nucleotide variant.
Coding change: c.10888G>T on transcript NM_001372.4 (MANE Select); coding-DNA position 10888, G replaced by T.
Protein change: p.Ala3630Ser; replaces alanine 3630 with serine.
Molecular consequence: missense variant. On other transcripts: 5 prime UTR variant (1).
Genome position (GRCh38, 1-based): chr17:11,883,667, G>T. VCF-style: chr17-11883667-G-T. GRCh37 (hg19) VCF-style: chr17-11786984-G-T.
Other names: c.-177G>T (NM_004662.2); short protein forms A3630S.
Identifiers: ClinVar variation 785556 (VCV000785556.13), dbSNP rs62639705, ClinGen allele CA8397669.